The following is an entry in ClinVar:

ClinVar aggregate classification (germline): Uncertain significance. Review status: criteria provided, multiple submitters, no conflicts (2 of 4 stars). 2 submissions from 2 submitters: Uncertain significance (2). Last evaluated 2023-02-23.

Conditions:
Long QT syndrome (LQTS). Identifiers: MedGen C0023976, MeSH D008133, MONDO:0002442. Disease mechanism: loss of function. Inheritance: Various modes of inheritance.
Cardiovascular phenotype. Identifiers: MedGen CN230736.

Allele frequency attached by ClinVar (database versions not stated): gnomAD 0.00001; gnomAD exomes 0.00001; ExAC 0.00002.
gnomAD v4.1: 13 of 1,613,982 alleles (0.00081%); highest among the groups gnomAD compares: East Asian, 0.0045%; no homozygotes.

Submissions (2):

Ambry Genetics
Classification: Uncertain significance for Cardiovascular phenotype. Last evaluated: 2023-02-23. Review status: criteria provided, single submitter. Criteria: Ambry Variant Classification Scheme 2023. Collection method: clinical testing. Allele origin: germline.
Comment: The p.R506H variant (also known as c.1517G>A), located in coding exon 15 of the ANK2 gene, results from a G to A substitution at nucleotide position 1517. The arginine at codon 506 is replaced by histidine, an amino acid with highly similar properties. This amino acid position is conserved. In addition, this alteration is predicted to be deleterious by in silico analysis. Since supporting evidence is limited at this time, the clinical significance of this alteration remains unclear.

Labcorp Genetics (formerly Invitae), Labcorp
Classification: Uncertain significance for Long QT syndrome. Last evaluated: 2020-09-29. Review status: criteria provided, single submitter. Criteria: Invitae Variant Classification Sherloc (09022015). Collection method: clinical testing. Allele origin: germline.
Comment: This sequence change replaces arginine with histidine at codon 506 of the ANK2 protein (p.Arg506His). The arginine residue is highly conserved and there is a small physicochemical difference between arginine and histidine. This variant is present in population databases (rs760370075, ExAC 0.02%). This variant has not been reported in the literature in individuals with ANK2-related conditions. Algorithms developed to predict the effect of missense changes on protein structure and function are either unavailable or do not agree on the potential impact of this missense change (SIFT: "Deleterious"; PolyPhen-2: "Probably Damaging"; Align-GVGD: "Class C0"). In summary, the available evidence is currently insufficient to determine the role of this variant in disease. Therefore, it has been classified as a Variant of Uncertain Significance.

NM_001148.6(ANK2):c.1517G>A (p.Arg506His)

Gene: ANK2 (ankyrin 2; plus strand). Cytogenetic location: 4q26.
Variant type: single nucleotide variant.
Coding change: c.1517G>A on transcript NM_001148.6 (MANE Select); coding-DNA position 1517, G replaced by A.
Protein change: p.Arg506His; replaces arginine 506 with histidine.
Molecular consequence: missense variant.
Genome position (GRCh38, 1-based): chr4:113,274,483, G>A. VCF-style: chr4-113274483-G-A. GRCh37 (hg19) VCF-style: chr4-114195639-G-A.
Other names: c.1454G>A, p.Arg485His (NM_001127493.3, NM_001354239.2, NM_001354243.2 and 14 more transcripts); c.1517G>A, p.Arg506His (NM_001354225.2, NM_001354228.2, NM_001354232.2 and 8 more transcripts); c.1562G>A, p.Arg521His (NM_001354230.2, NM_001354231.2, NM_001354237.2 and 5 more transcripts); c.1430G>A, p.Arg477His (NM_001354249.2, NM_001354260.2, NM_001354264.2 and 13 more transcripts); c.1475G>A, p.Arg492His (NM_001354261.2, NM_001386147.1, NM_001386160.1); c.1307G>A, p.Arg436His (NM_001354269.3); c.1319G>A, p.Arg440His (NM_001354273.2); c.1232G>A, p.Arg411His (NM_001354277.2, NM_001386157.1, NM_001386158.1); and 5 more; short protein forms R411H, R436H, R440H, R477H, R485H, R492H, R494H, R502H.
Identifiers: ClinVar variation 1017225 (VCV001017225.7), dbSNP rs760370075, ClinGen allele CA3050310.